The following is an entry in ClinVar:

NM_000158.4(GBE1):c.1995C>T (p.His665=)

Gene: GBE1 (1,4-alpha-glucan branching enzyme 1; minus strand). Cytogenetic location: 3p12.2.
Variant type: single nucleotide variant.
Coding change: c.1995C>T on transcript NM_000158.4 (MANE Select); coding-DNA position 1995, C replaced by T.
Protein change: p.His665=; no amino-acid change (histidine 665 retained).
Molecular consequence: synonymous variant.
Genome position (GRCh38, 1-based): chr3:81,499,167, G>A on the plus strand (C>T on the coding strand, the complement: GBE1 is on the minus strand). VCF-style: chr3-81499167-G-A. GRCh37 (hg19) VCF-style: chr3-81548318-G-A.
Identifiers: ClinVar variation 753195 (VCV000753195.35), dbSNP rs201515305, ClinGen allele CA2499491.
Genomic context (GRCh38, chr3:81,499,167, plus strand): 5'-TACCAAAAGAGAATAGGGACGCCCATTATGTTCAAAAGCCTCAGAAAAAAAGTCAGTGCT[G>A]TGGTCCAGTCTCTGATGCCCTCCATATTCCGCTGCATCTGAATCTAGCACAATTTTGAAT-3'
Protein context (NP_000149.4, residues 655-675): AEYGGHQRLD[His665=]STDFFSEAFE

ClinVar aggregate classification (germline): Likely benign. Review status: criteria provided, multiple submitters, no conflicts (2 of 4 stars). 4 submissions from 4 submitters: Likely benign (3). 1 of the submissions does not count toward it. Last evaluated 2026-01-25.

Conditions:
Glycogen storage disease, type IV (GSD4). Also called: GBE1 DEFICIENCY; GLYCOGEN BRANCHING ENZYME DEFICIENCY; GLYCOGENOSIS IV; AMYLOPECTINOSIS; ANDERSEN DISEASE; BRANCHER DEFICIENCY. Identifiers: Orphanet 367, MedGen C0017923, MONDO:0009292, OMIM 232500.
Glycogen storage disease IV, classic hepatic. Also called: GSD IV, CLASSIC HEPATIC. Identifiers: MedGen C1856301.

Allele frequency attached by ClinVar (database versions not stated): gnomAD 0.00007 and 0.00008; TOPMed 0.00007; ESP Exome Variant Server 0.00008; gnomAD exomes 0.00008 and 0.00011; ExAC 0.00013.
gnomAD v4.1: 137 of 1,612,136 alleles (0.0085%); highest among the groups gnomAD compares: Non-Finnish European, 0.004%; no homozygotes.

Submissions (4):

Labcorp Genetics (formerly Invitae), Labcorp
Classification: Likely benign for Glycogen storage disease, type IV; Glycogen storage disease IV, classic hepatic. Last evaluated: 2026-01-25. Review status: criteria provided, single submitter. Criteria: Invitae Variant Classification Sherloc (09022015). Collection method: clinical testing. Allele origin: germline.

Blueprint Genetics
Classification: Likely benign. Last evaluated: 2024-10-14. Review status: criteria provided, single submitter. Criteria: ACMG Guidelines, 2015. Collection method: clinical testing. Allele origin: germline.

CeGaT Center for Human Genetics Tuebingen
Classification: Likely benign. Last evaluated: 2023-02-01. Review status: criteria provided, single submitter. Criteria: CeGaT Center For Human Genetics Tuebingen Variant Classification Criteria Version 2. Collection method: clinical testing. Allele origin: germline. Affected: yes. Observed: 1 variant allele.
Comment: GBE1: BP4, BP7

Natera, Inc.
Classification: Likely benign for Glycogen storage disease type IV. Last evaluated: 2020-09-16. Review status: no assertion criteria provided. Collection method: clinical testing. Allele origin: germline. Not counted in ClinVar's aggregate classification.